The following is an entry in ClinVar:

ClinVar aggregate classification (germline): Uncertain significance (1 of 4 stars; one submission).

gnomAD v4.1: 1 of 1,614,044 alleles (0.000062%); highest among the groups gnomAD compares: Non-Finnish European, 0.000085%; no homozygotes.

Submission:

GeneDx
Classification: Uncertain significance. Last evaluated: 2023-05-26. Review status: criteria provided, single submitter. Criteria: GeneDx Variant Classification Process June 2021. Collection method: clinical testing. Allele origin: germline. Affected: yes.
Comment: Not observed at significant frequency in large population cohorts (gnomAD); In silico analysis supports that this missense variant has a deleterious effect on protein structure/function; Has not been previously published as pathogenic or benign to our knowledge

NM_001148.6(ANK2):c.3566C>T (p.Thr1189Ile)

Gene: ANK2 (ankyrin 2; plus strand). Cytogenetic location: 4q26.
Variant type: single nucleotide variant.
Coding change: c.3566C>T on transcript NM_001148.6 (MANE Select); coding-DNA position 3566, C replaced by T.
Protein change: p.Thr1189Ile; replaces threonine 1189 with isoleucine.
Molecular consequence: missense variant. On other transcripts: 5 prime UTR variant (2).
Genome position (GRCh38, 1-based): chr4:113,336,032, C>T. VCF-style: chr4-113336032-C-T. GRCh37 (hg19) VCF-style: chr4-114257188-C-T.
Other names: c.3539C>T, p.Thr1180Ile (NM_001127493.3); c.3578C>T, p.Thr1193Ile (NM_001354225.2); c.3467C>T, p.Thr1156Ile (NM_001354228.2, NM_001354258.2); c.3545C>T, p.Thr1182Ile (NM_001354230.2); c.3608C>T, p.Thr1203Ile (NM_001354231.2, NM_001354242.2); c.3602C>T, p.Thr1201Ile (NM_001354232.2); c.3563C>T, p.Thr1188Ile (NM_001354235.2, NM_001354246.2, NM_001354265.2); c.3464C>T, p.Thr1155Ile (NM_001354236.2); and 31 more; short protein forms T1028I, T1061I, T1089I, T1094I, T1102I, T1114I, T1118I, T1122I.
Identifiers: ClinVar variation 3362072 (VCV003362072.1).
Genomic context (GRCh38, chr4:113,336,032, plus strand): 5'-GTGTACTGAGCAGCACAGTGGTGCCCCAGGTGCAGGCCGTCTTCCCAGAGGGGGCACTCA[C>T]CAAGCGGATCCGCGTAGGCCTGCAGGTATGCCCATGTTAGATGCAAATGATCCTAACAGG-3'
Protein context (NP_001139.3, residues 1179-1199): VQAVFPEGAL[Thr1189Ile]KRIRVGLQAQ